The following is an entry in ClinVar:

NM_001355436.2(SPTB):c.3071C>T (p.Ser1024Leu)

Gene: SPTB (spectrin beta, erythrocytic; minus strand). Cytogenetic location: 14q23.3.
Variant type: single nucleotide variant.
Coding change: c.3071C>T on transcript NM_001355436.2 (MANE Select); coding-DNA position 3071, C replaced by T.
Protein change: p.Ser1024Leu; replaces serine 1024 with leucine.
Molecular consequence: missense variant.
Genome position (GRCh38, 1-based): chr14:64,786,894, G>A on the plus strand (C>T on the coding strand, the complement: SPTB is on the minus strand). VCF-style: chr14-64786894-G-A. GRCh37 (hg19) VCF-style: chr14-65253612-G-A.
Other names: NM_000347.5:c.3071C>T; c.3071C>T, p.Ser1024Leu (NM_001024858.4, NM_001355437.2); short protein forms S1024L.
Identifiers: ClinVar variation 1902121 (VCV001902121.9), dbSNP rs190108600, ClinGen allele CA7230694.

ClinVar aggregate classification (germline): Uncertain significance. Review status: criteria provided, multiple submitters, no conflicts (2 of 4 stars). 3 submissions from 3 submitters: Uncertain significance (3). Last evaluated 2024-01-02.

Conditions:
Inborn genetic diseases. Identifiers: MedGen C0950123, MeSH D030342.

Allele frequency attached by ClinVar (database versions not stated): gnomAD 0.00007; ESP Exome Variant Server 0.00008; TOPMed 0.00008; 1000 Genomes Project 30x 0.00016; 1000 Genomes Project 0.00020.
gnomAD v4.1: 27 of 1,612,834 alleles (0.0017%); highest among the groups gnomAD compares: African/African-American, 0.017%; no homozygotes.

Submissions (3):

Ambry Genetics
Classification: Uncertain significance for Inborn genetic diseases. Last evaluated: 2024-01-02. Review status: criteria provided, single submitter. Criteria: Ambry Variant Classification Scheme 2023. Collection method: clinical testing. Allele origin: germline.

Labcorp Genetics (formerly Invitae), Labcorp
Classification: Uncertain significance. Last evaluated: 2021-12-19. Review status: criteria provided, single submitter. Criteria: Invitae Variant Classification Sherloc (09022015). Collection method: clinical testing. Allele origin: germline.
Comment: This sequence change replaces serine, which is neutral and polar, with leucine, which is neutral and non-polar, at codon 1024 of the SPTB protein (p.Ser1024Leu). In summary, the available evidence is currently insufficient to determine the role of this variant in disease. Therefore, it has been classified as a Variant of Uncertain Significance. Algorithms developed to predict the effect of missense changes on protein structure and function output the following: SIFT: "Deleterious"; PolyPhen-2: "Benign"; Align-GVGD: "Class C15". The leucine amino acid residue is found in multiple mammalian species, which suggests that this missense change does not adversely affect protein function. This variant has not been reported in the literature in individuals affected with SPTB-related conditions. This variant is present in population databases (rs190108600, gnomAD 0.03%).

Revvity Omics, Revvity
Classification: Uncertain significance. Last evaluated: 2021-09-15. Review status: criteria provided, single submitter. Criteria: ACMG Guidelines, 2015. Collection method: clinical testing. Allele origin: germline.